The following is an entry in ClinVar:

NM_006231.4(POLE):c.3275+12_3275+37del

Gene: POLE (DNA polymerase epsilon, catalytic subunit; minus strand). Cytogenetic location: 12q24.33.
Variant type: Deletion.
Coding change: c.3275+12_3275+37del on transcript NM_006231.4 (MANE Select); bases 12 to 37 of the intron after coding-DNA position 3275, 26 bases deleted (CCCCATCACGGAGAGGTGAGGGCTCC).
Molecular consequence: splice donor variant.
Genome position (GRCh38, 1-based): chr12:132,659,258-132,659,283, GGAGCCCTCACCTCTCCGTGATGGGG deleted on the plus strand (CCCCATCACGGAGAGGTGAGGGCTCC on the coding strand, the reverse complement: POLE is on the minus strand); deleting any 26 consecutive bases within chr12:132,659,258-132,659,304 gives the same sequence; the c. name uses the placement nearest the transcript's 3' end. VCF-style (leftmost placement, unchanged base first): chr12-132659257-AGGAGCCCTCACCTCTCCGTGATGGGG-A. GRCh37 (hg19) VCF-style: chr12-133235843-AGGAGCCCTCACCTCTCCGTGATGGGG-A.
Identifiers: ClinVar variation 420356 (VCV000420356.17), dbSNP rs1057517627, ClinGen allele CA6893308.

ClinVar aggregate classification (germline): Benign/Likely benign. Review status: criteria provided, multiple submitters, no conflicts (2 of 4 stars). 4 submissions from 4 submitters: Benign (2); Likely benign (2). Last evaluated 2026-02-03.

Submissions (4):

Labcorp Genetics (formerly Invitae), Labcorp
Classification: Benign. Last evaluated: 2026-02-03. Review status: criteria provided, single submitter. Criteria: Invitae Variant Classification Sherloc (09022015). Collection method: clinical testing. Allele origin: germline.

Blueprint Genetics
Classification: Likely benign. Last evaluated: 2024-10-31. Review status: criteria provided, single submitter. Criteria: ACMG Guidelines, 2015. Collection method: clinical testing. Allele origin: germline.

ARUP Laboratories, Molecular Genetics and Genomics, ARUP Laboratories
Classification: Benign. Last evaluated: 2019-01-25. Review status: criteria provided, single submitter. Criteria: ARUP Molecular Germline Variant Investigation Process. Collection method: clinical testing. Allele origin: germline.

GeneDx
Classification: Likely benign. Last evaluated: 2017-12-27. Review status: criteria provided, single submitter. Criteria: GeneDx Variant Classification (06012015). Collection method: clinical testing. Allele origin: germline. Affected: yes.
Comment: This variant is considered likely benign or benign based on one or more of the following criteria: it is a conservative change, it occurs at a poorly conserved position in the protein, it is predicted to be benign by multiple in silico algorithms, and/or has population frequency not consistent with disease.